The following is an entry in ClinVar:

NM_000057.4(BLM):c.4166C>T (p.Thr1389Ile)

Gene: BLM (BLM RecQ like helicase; plus strand). Cytogenetic location: 15q26.1.
Variant type: single nucleotide variant.
Coding change: c.4166C>T on transcript NM_000057.4 (MANE Select); coding-DNA position 4166, C replaced by T.
Protein change: p.Thr1389Ile; replaces threonine 1389 with isoleucine.
Molecular consequence: missense variant.
Genome position (GRCh38, 1-based): chr15:90,815,191, C>T. VCF-style: chr15-90815191-C-T. GRCh37 (hg19) VCF-style: chr15-91358421-C-T.
Other names: c.4166C>T, p.Thr1389Ile (NM_001287246.2); c.3773C>T, p.Thr1258Ile (NM_001287247.2); c.3041C>T, p.Thr1014Ile (NM_001287248.2); short protein forms T1014I, T1258I, T1389I.
Identifiers: ClinVar variation 3991621 (VCV003991621.1).
Genomic context (GRCh38, chr15:90,815,191, plus strand): 5'-CCAAAACGAAATCCTCCAGCATCATTGGATCCAGTTCAGCCTCACATACTTCTCAAGCGA[C>T]ATCAGGAGCCAATAGCAAATTGGGGATTATGGCTCCACCGAAGCCTATAAATAGACCGTT-3'
Protein context (NP_000048.1, residues 1379-1399): SSSASHTSQA[Thr1389Ile]SGANSKLGIM

ClinVar aggregate classification (germline): Uncertain significance (1 of 4 stars; one submission).

Conditions:
Hereditary cancer-predisposing syndrome. Also called: Tumor predisposition; Hereditary neoplastic syndrome; Neoplastic Syndromes, Hereditary; Hereditary Cancer Syndrome. Identifiers: Orphanet 140162, MedGen C0027672, MeSH D009386, MONDO:0015356.

Submission:

Ambry Genetics
Classification: Uncertain significance for Hereditary cancer-predisposing syndrome. Last evaluated: 2025-05-02. Review status: criteria provided, single submitter. Criteria: Ambry Variant Classification Scheme 2023. Collection method: clinical testing. Allele origin: germline.
Comment: The p.T1389I variant (also known as c.4166C>T), located in coding exon 21 of the BLM gene, results from a C to T substitution at nucleotide position 4166. The threonine at codon 1389 is replaced by isoleucine, an amino acid with similar properties. This amino acid position is conserved. In addition, this alteration is predicted to be tolerated by in silico analysis. Based on the available evidence, the clinical significance of this variant remains unclear.